The following is an entry in ClinVar:

NM_001242896.3(DEPDC5):c.3096A>G (p.Pro1032=)

Gene: DEPDC5 (DEP domain containing 5, GATOR1 subcomplex subunit; plus strand). Cytogenetic location: 22q12.3.
Variant type: single nucleotide variant.
Coding change: c.3096A>G on transcript NM_001242896.3 (MANE Select); coding-DNA position 3096, A replaced by G.
Protein change: p.Pro1032=; no amino-acid change (proline 1032 retained).
Molecular consequence: synonymous variant. On other transcripts: non-coding transcript variant (5).
Genome position (GRCh38, 1-based): chr22:31,846,908, A>G. VCF-style: chr22-31846908-A-G. GRCh37 (hg19) VCF-style: chr22-32242894-A-G.
Other names: c.3069A>G, p.Pro1023= (NM_001136029.4, NM_001369903.1, NM_014662.6); c.2862A>G, p.Pro954= (NM_001242897.2, NM_001363854.2, NM_001364319.2); c.3096A>G, p.Pro1032= (NM_001363852.2, NM_001364318.2, NM_001364320.2); c.3012A>G, p.Pro1004= (NM_001369901.1, NM_001369902.1).
Identifiers: ClinVar variation 534821 (VCV000534821.11), dbSNP rs756207564, ClinGen allele CA323345481.
Genomic context (GRCh38, chr22:31,846,908, plus strand): 5'-GAAAGGCTTGCAGATGACTGGGCCCATTTCCACGCATTCTCTGGAGTCAACTGCACCCCC[A>G]GTGGGGAAGAAGGGAACCTCAGCTCTCTCTGCCCTGTTGGAGATGGAGGCCAGTCAGAAG-3'
Protein context (NP_001229825.1, residues 1022-1042): STHSLESTAP[Pro1032=]VGKKGTSALS

ClinVar aggregate classification (germline): Likely benign. Review status: criteria provided, single submitter (1 of 4 stars). 2 submissions from 2 submitters: Likely benign (1). 1 of the submissions does not count toward it. Last evaluated 2023-12-15.

Conditions:
DEPDC5-related disorder. Also called: DEPDC5-related condition; DEPDC5-related related disorder.
Familial focal epilepsy with variable foci (FPEVF). Identifiers: Orphanet 98820, MedGen C1858477, MONDO:0020310.

Allele frequency attached by ClinVar (database versions not stated): TOPMed 0.00005; gnomAD exomes below 0.00001; gnomAD 0.00001.
gnomAD v4.1: 8 of 1,614,088 alleles (0.0005%); highest among the groups gnomAD compares: Admixed American, 0.0017%; no homozygotes.

Submissions (2):

Labcorp Genetics (formerly Invitae), Labcorp
Classification: Likely benign for Familial focal epilepsy with variable foci. Last evaluated: 2023-12-15. Review status: criteria provided, single submitter. Criteria: Invitae Variant Classification Sherloc (09022015). Collection method: clinical testing. Allele origin: germline.

PreventionGenetics, part of Exact Sciences
Classification: Likely benign for DEPDC5-related condition. Last evaluated: 2024-03-27. Review status: no assertion criteria provided. Collection method: clinical testing. Allele origin: germline. Not counted in ClinVar's aggregate classification.
Comment: This variant is classified as likely benign based on ACMG/AMP sequence variant interpretation guidelines (Richards et al. 2015 PMID: 25741868, with internal and published modifications).